The following is an entry in ClinVar:

NM_001369.3(DNAH5):c.2700A>C (p.Lys900Asn)

Genes: DNAH5 (dynein axonemal heavy chain 5; minus strand), DNAH5-AS1 (DNAH5 antisense RNA 1; plus strand). Cytogenetic location: 5p15.2.
Variant type: single nucleotide variant.
Coding change: c.2700A>C on transcript NM_001369.3 (MANE Select); coding-DNA position 2700, A replaced by C.
Protein change: p.Lys900Asn; replaces lysine 900 with asparagine.
Molecular consequence: missense variant.
Genome position (GRCh38, 1-based): chr5:13,886,007, T>G on the plus strand (A>C on the coding strand, the complement: DNAH5 is on the minus strand). VCF-style: chr5-13886007-T-G. GRCh37 (hg19) VCF-style: chr5-13886116-T-G.
Other names: short protein forms K900N.
Identifiers: ClinVar variation 2158984 (VCV002158984.1), dbSNP rs745595467, ClinGen allele CA3204520.

ClinVar aggregate classification (germline): Uncertain significance (1 of 4 stars; one submission).

Conditions:
Primary ciliary dyskinesia. Also called: Ciliary dyskinesia. Identifiers: Orphanet 244, MedGen C0008780, MONDO:0016575, HP:0012265.

Allele frequency attached by ClinVar (database versions not stated): gnomAD exomes below 0.00001; ExAC 0.00001.
gnomAD v4.1: 4 of 1,613,310 alleles (0.00025%); highest among the groups gnomAD compares: Non-Finnish European, 0.00034%; no homozygotes.

Submission:

Labcorp Genetics (formerly Invitae), Labcorp
Classification: Uncertain significance for Primary ciliary dyskinesia. Last evaluated: 2022-05-12. Review status: criteria provided, single submitter. Criteria: Invitae Variant Classification Sherloc (09022015). Collection method: clinical testing. Allele origin: germline.
Comment: This sequence change replaces lysine, which is basic and polar, with asparagine, which is neutral and polar, at codon 900 of the DNAH5 protein (p.Lys900Asn). This variant is present in population databases (rs745595467, gnomAD 0.0009%). This variant has not been reported in the literature in individuals affected with DNAH5-related conditions. Advanced modeling of protein sequence and biophysical properties (such as structural, functional, and spatial information, amino acid conservation, physicochemical variation, residue mobility, and thermodynamic stability) performed at Invitae indicates that this missense variant is not expected to disrupt DNAH5 protein function. In summary, the available evidence is currently insufficient to determine the role of this variant in disease. Therefore, it has been classified as a Variant of Uncertain Significance.